The following is an entry in ClinVar:

ClinVar aggregate classification (germline): Uncertain significance (1 of 4 stars; one submission).

Submission:

GeneDx
Classification: Uncertain significance. Last evaluated: 2026-10-22. Review status: criteria provided, single submitter. Criteria: GeneDx Variant Classification Process June 2021. Collection method: clinical testing. Allele origin: germline.
Comment: Not observed at significant frequency in large population cohorts (gnomAD); In silico analysis supports that this missense variant has a deleterious effect on protein structure/function; Has not been previously published as pathogenic or benign to our knowledge

NM_170606.3(KMT2C):c.7380A>C (p.Lys2460Asn)

Gene: KMT2C (lysine methyltransferase 2C; minus strand). Cytogenetic location: 7q36.1.
Variant type: single nucleotide variant.
Coding change: c.7380A>C on transcript NM_170606.3 (MANE Select); coding-DNA position 7380, A replaced by C.
Protein change: p.Lys2460Asn; replaces lysine 2460 with asparagine.
Molecular consequence: missense variant.
Genome position (GRCh38, 1-based): chr7:152,179,896, T>G on the plus strand (A>C on the coding strand, the complement: KMT2C is on the minus strand). VCF-style: chr7-152179896-T-G. GRCh37 (hg19) VCF-style: chr7-151876981-T-G.
Other names: short protein forms K2460N.
Identifiers: ClinVar variation 3774686 (VCV003774686.2).